The following is an entry in ClinVar:

NM_198239.2(CCN6):c.334G>A (p.Gly112Arg)

Gene: CCN6 (cellular communication network factor 6; plus strand). Cytogenetic location: 6q21.
Variant type: single nucleotide variant.
Coding change: c.334G>A on transcript NM_198239.2 (MANE Select); coding-DNA position 334, G replaced by A.
Protein change: p.Gly112Arg; replaces glycine 112 with arginine.
Molecular consequence: missense variant. On other transcripts: non-coding transcript variant (2).
Genome position (GRCh38, 1-based): chr6:112,061,276, G>A. VCF-style: chr6-112061276-G-A. GRCh37 (hg19) VCF-style: chr6-112382479-G-A.
Other names: c.334G>A, p.Gly112Arg (NM_003880.4); short protein forms G112R.
Identifiers: ClinVar variation 1806635 (VCV001806635.3), dbSNP rs1776513804, ClinGen allele CA365370222.
Genomic context (GRCh38, chr6:112,061,276, plus strand): 5'-TGTGACCCACACAAAGGGCTGTATTGTGACTACTCAGTAGACAGGCCTAGGTACGAGACT[G>A]GAGTGTGTGCATGTAAGTGTCTTCTTCTGGACCTGCTGGAAAAGATTGAGTCTAGACAGA-3'
Protein context (NP_937882.2, residues 102-122): YSVDRPRYET[Gly112Arg]VCAYLVAVGC

ClinVar aggregate classification (germline): Uncertain significance. Review status: criteria provided, multiple submitters, no conflicts (2 of 4 stars). 2 submissions from 2 submitters: Uncertain significance (2). Last evaluated 2022-06-22.

Allele frequency attached by ClinVar (database versions not stated): TOPMed below 0.00001.

Submissions (2):

GeneDx
Classification: Uncertain significance. Last evaluated: 2022-06-22. Review status: criteria provided, single submitter. Criteria: GeneDx Variant Classification Process June 2021. Collection method: clinical testing. Allele origin: germline. Affected: yes.
Comment: Not observed at significant frequency in large population cohorts (gnomAD); In silico analysis supports that this missense variant has a deleterious effect on protein structure/function; Has not been previously published as pathogenic or benign to our knowledge

Labcorp Genetics (formerly Invitae), Labcorp
Classification: Uncertain significance. Last evaluated: 2022-03-19. Review status: criteria provided, single submitter. Criteria: Invitae Variant Classification Sherloc (09022015). Collection method: clinical testing. Allele origin: germline.
Comment: This variant has not been reported in the literature in individuals affected with WISP3-related conditions. This variant is not present in population databases (gnomAD no frequency). This sequence change replaces glycine, which is neutral and non-polar, with arginine, which is basic and polar, at codon 112 of the WISP3 protein (p.Gly112Arg). Algorithms developed to predict the effect of missense changes on protein structure and function are either unavailable or do not agree on the potential impact of this missense change (SIFT: "Deleterious"; PolyPhen-2: "Probably Damaging"; Align-GVGD: "Class C0"). In summary, the available evidence is currently insufficient to determine the role of this variant in disease. Therefore, it has been classified as a Variant of Uncertain Significance.